The following is an entry in ClinVar:

NM_001040142.2(SCN2A):c.1552G>T (p.Glu518Ter)

Gene: SCN2A (sodium voltage-gated channel alpha subunit 2; plus strand). Cytogenetic location: 2q24.3.
Variant type: single nucleotide variant.
Coding change: c.1552G>T on transcript NM_001040142.2 (MANE Select); coding-DNA position 1552, G replaced by T.
Protein change: p.Glu518Ter; replaces glutamic acid 518 with a stop codon.
Molecular consequence: nonsense.
Genome position (GRCh38, 1-based): chr2:165,315,639, G>T. VCF-style: chr2-165315639-G-T. GRCh37 (hg19) VCF-style: chr2-166172149-G-T.
Other names: p.Glu518Ter; c.1552G>T, p.Glu518Ter (NM_001040143.2, NM_001371246.1, NM_001371247.1 and 1 more transcripts); short protein forms E518*.
Identifiers: ClinVar variation 1809609 (VCV001809609.3), dbSNP rs1553569732, ClinGen allele CA349023528.

ClinVar aggregate classification (germline): Pathogenic (1 of 4 stars; one submission).

Conditions:
Developmental and epileptic encephalopathy, 11 (DEE11). Also called: Early infantile epileptic encephalopathy 11. Identifiers: Orphanet 1934, MedGen C3150987, MONDO:0013388, OMIM 613721.

Submission:

Foundation for Research in Genetics and Endocrinology, FRIGE's Institute of Human Genetics
Classification: Pathogenic for Developmental and epileptic encephalopathy, 11. Last evaluated: 2020-10-28. Review status: criteria provided, single submitter. Criteria: ACMG Guidelines, 2015. Collection method: clinical testing. Allele origin: de novo. Inheritance: Autosomal dominant inheritance. Affected: yes. Observed: 1 heterozygote.
Comment: A heterozygous nonsense variation in exon 12 of the SCN2A gene that results in a stop codon and premature truncation of the protein at codon 518 was detected. The observed variant c.1552G>T (p.Glu518Ter) has not been reported in the 1000 genomes and gnomAD databases. The reference codon is conserved across species. In summary, the variant meets our criteria to be classified as pathogenic.